The following is an entry in ClinVar:

NM_001367624.2(ZNF469):c.2493C>T (p.Asp831=)

Gene: ZNF469 (zinc finger protein 469; plus strand). Cytogenetic location: 16q24.2.
Variant type: single nucleotide variant.
Coding change: c.2493C>T on transcript NM_001367624.2 (MANE Select); coding-DNA position 2493, C replaced by T.
Protein change: p.Asp831=; no amino-acid change (aspartic acid 831 retained).
Molecular consequence: synonymous variant.
Genome position (GRCh38, 1-based): chr16:88,429,963, C>T. VCF-style: chr16-88429963-C-T. GRCh37 (hg19) VCF-style: chr16-88496371-C-T.
Identifiers: ClinVar variation 4848759 (VCV004848759.1).
Genomic context (GRCh38, chr16:88,429,963, plus strand): 5'-CCTGAGGACAGGCTTCCTGCCCAGCCTGGCCGCCACCCCCTTCCCGCTCCCTGCCTCGGA[C>T]CTGGACATGGAGGATGACGCCAAGCTGGACAGCCTCATCACAGAGGCGCTCAACGGCATG-3'
Protein context (NP_001354553.1, residues 821-841): AATPFPLPAS[Asp831=]LDMEDDAKLD

ClinVar aggregate classification (germline): Likely benign (1 of 4 stars; one submission).

Submission:

Women's Health and Genetics/Laboratory Corporation of America, LabCorp
Classification: Likely benign. Last evaluated: 2026-04-08. Review status: criteria provided, single submitter. Criteria: LabCorp Variant Classification Summary - May 2015. Collection method: clinical testing. Allele origin: germline.
Comment: Variant summary: ZNF469 c.2493C>T results in a synonymous change. The variant was absent in 151880 control chromosomes. The available data on variant occurrences in the general population are insufficient to allow any conclusion about variant significance. To our knowledge, no occurrence of c.2493C>T in individuals affected with ZNF469-related conditions and no experimental evidence demonstrating its impact on protein function have been reported. No submitters have cited clinical-significance assessments for this variant to ClinVar. Based on the evidence outlined above, the variant was classified as likely benign.